The following is an entry in ClinVar:

NM_181672.3(OGT):c.1281A>C (p.Ala427=)

Gene: OGT (O-linked N-acetylglucosamine (GlcNAc) transferase; plus strand). Cytogenetic location: Xq13.1.
Variant type: single nucleotide variant.
Coding change: c.1281A>C on transcript NM_181672.3 (MANE Select); coding-DNA position 1281, A replaced by C.
Protein change: p.Ala427=; no amino-acid change (alanine 427 retained).
Molecular consequence: synonymous variant.
Genome position (GRCh38, 1-based): chrX:71,557,066, A>C. VCF-style: chrX-71557066-A-C. GRCh37 (hg19) VCF-style: chrX-70776916-A-C.
Other names: c.1251A>C, p.Ala417= (NM_181673.3).
Identifiers: ClinVar variation 720641 (VCV000720641.12), dbSNP rs34350994, ClinGen allele CA10447642.

ClinVar aggregate classification (germline): Benign. Review status: criteria provided, multiple submitters, no conflicts (2 of 4 stars). 3 submissions from 3 submitters: Benign (2). 1 of the submissions does not count toward it. Last evaluated 2026-01-26.

Conditions:
OGT-related disorder. Also called: OGT-related condition.

Allele frequency attached by ClinVar (database versions not stated): gnomAD exomes 0.00278; ExAC 0.00348; 1000 Genomes Project 30x 0.00957; gnomAD 0.00991 and 0.01085; 1000 Genomes Project 0.01007; TOPMed 0.01150; ESP Exome Variant Server 0.01155.
gnomAD v4.1: 2,338 of 1,210,119 alleles (0.19%); highest among the groups gnomAD compares: African/African-American, 3.6%; 27 homozygotes.

Submissions (3):

Labcorp Genetics (formerly Invitae), Labcorp
Classification: Benign. Last evaluated: 2026-01-26. Review status: criteria provided, single submitter. Criteria: Invitae Variant Classification Sherloc (09022015). Collection method: clinical testing. Allele origin: germline.

Breakthrough Genomics
Classification: Benign. Review status: criteria provided, single submitter. Criteria: ACMG Guidelines, 2015. Collection method: not provided. Allele origin: germline. Inheritance: X-linked inheritance. Affected: yes.

PreventionGenetics, part of Exact Sciences
Classification: Benign for OGT-related condition. Last evaluated: 2019-05-02. Review status: no assertion criteria provided. Collection method: clinical testing. Allele origin: germline. Not counted in ClinVar's aggregate classification.
Comment: This variant is classified as benign based on ACMG/AMP sequence variant interpretation guidelines (Richards et al. 2015 PMID: 25741868, with internal and published modifications).